The following is an entry in ClinVar:

ClinVar aggregate classification (germline): Uncertain significance (1 of 4 stars; one submission).

Conditions:
Niemann-Pick disease, type C1. Also called: NIEMANN-PICK DISEASE, VARIANT TYPE C1; NIEMANN-PICK DISEASE WITHOUT SPHINGOMYELINASE DEFICIENCY; NEUROVISCERAL STORAGE DISEASE WITH VERTICAL SUPRANUCLEAR OPHTHALMOPLEGIA; NIEMANN-PICK DISEASE WITH CHOLESTEROL ESTERIFICATION BLOCK; NIEMANN-PICK DISEASE, CHRONIC NEURONOPATHIC FORM. Identifiers: Orphanet 646, MedGen C3179455, MONDO:0009757, OMIM 257220.

Submission:

Labcorp Genetics (formerly Invitae), Labcorp
Classification: Uncertain significance for Niemann-Pick disease, type C1. Last evaluated: 2022-04-23. Review status: criteria provided, single submitter. Criteria: Invitae Variant Classification Sherloc (09022015). Collection method: clinical testing. Allele origin: germline.
Comment: In summary, the available evidence is currently insufficient to determine the role of this variant in disease. Therefore, it has been classified as a Variant of Uncertain Significance. Algorithms developed to predict the effect of sequence changes on RNA splicing suggest that this variant is not likely to affect RNA splicing. This variant has not been reported in the literature in individuals affected with NPC1-related conditions. This variant is not present in population databases (gnomAD no frequency). This sequence change affects codon 551 of the NPC1 mRNA. It is a 'silent' change, meaning that it does not change the encoded amino acid sequence of the NPC1 protein. It affects a nucleotide within the consensus splice site.

NM_000271.5(NPC1):c.1653T>C (p.Asp551=)

Gene: NPC1 (NPC intracellular cholesterol transporter 1; minus strand). Cytogenetic location: 18q11.2.
Variant type: single nucleotide variant.
Coding change: c.1653T>C on transcript NM_000271.5 (MANE Select); coding-DNA position 1653, T replaced by C.
Protein change: p.Asp551=; no amino-acid change (aspartic acid 551 retained).
Molecular consequence: synonymous variant.
Genome position (GRCh38, 1-based): chr18:23,551,628, A>G on the plus strand (T>C on the coding strand, the complement: NPC1 is on the minus strand). VCF-style: chr18-23551628-A-G. GRCh37 (hg19) VCF-style: chr18-21131592-A-G.
Identifiers: ClinVar variation 2129780 (VCV002129780.4), dbSNP rs2511262533, ClinGen allele CA503324837.